The following is an entry in ClinVar:

NM_007118.4(TRIO):c.1963C>G (p.Arg655Gly)

Gene: TRIO (trio Rho guanine nucleotide exchange factor; plus strand). Cytogenetic location: 5p15.2.
Variant type: single nucleotide variant.
Coding change: c.1963C>G on transcript NM_007118.4 (MANE Select); coding-DNA position 1963, C replaced by G.
Protein change: p.Arg655Gly; replaces arginine 655 with glycine.
Molecular consequence: missense variant. On other transcripts: non-coding transcript variant (1).
Genome position (GRCh38, 1-based): chr5:14,336,644, C>G. VCF-style: chr5-14336644-C-G. GRCh37 (hg19) VCF-style: chr5-14336753-C-G.
Other names: short protein forms R655G.
Identifiers: ClinVar variation 3770019 (VCV003770019.1).

ClinVar aggregate classification (germline): Uncertain significance (1 of 4 stars; one submission).

gnomAD v4.1: 1 of 1,614,200 alleles (0.000062%); highest among the groups gnomAD compares: Non-Finnish European, 0.000085%; no homozygotes.

Submission:

GeneDx
Classification: Uncertain significance. Last evaluated: 2024-09-12. Review status: criteria provided, single submitter. Criteria: GeneDx Variant Classification Process June 2021. Collection method: clinical testing. Allele origin: germline. Affected: yes.
Comment: Not observed at significant frequency in large population cohorts (gnomAD); In silico analysis supports that this missense variant has a deleterious effect on protein structure/function; Has not been previously published as pathogenic or benign to our knowledge